The following is an entry in ClinVar:

NM_032119.4(ADGRV1):c.9547C>T (p.His3183Tyr)

Gene: ADGRV1 (adhesion G protein-coupled receptor V1; plus strand). Cytogenetic location: 5q14.3.
Variant type: single nucleotide variant.
Coding change: c.9547C>T on transcript NM_032119.4 (MANE Select); coding-DNA position 9547, C replaced by T.
Protein change: p.His3183Tyr; replaces histidine 3183 with tyrosine.
Molecular consequence: missense variant. On other transcripts: non-coding transcript variant (1).
Genome position (GRCh38, 1-based): chr5:90,720,147, C>T. VCF-style: chr5-90720147-C-T. GRCh37 (hg19) VCF-style: chr5-90015964-C-T.
Other names: short protein forms H3183Y.
Identifiers: ClinVar variation 2115771 (VCV002115771.4), dbSNP rs780004970, ClinGen allele CA3340529.

ClinVar aggregate classification (germline): Uncertain significance (1 of 4 stars; one submission).

Allele frequency attached by ClinVar (database versions not stated): ExAC 0.00001; gnomAD 0.00001.
gnomAD v4.1: 1 of 1,612,816 alleles (0.000062%); highest among the groups gnomAD compares: Non-Finnish European, 0.000085%; no homozygotes.

Submission:

Labcorp Genetics (formerly Invitae), Labcorp
Classification: Uncertain significance. Last evaluated: 2025-10-01. Review status: criteria provided, single submitter. Criteria: Invitae Variant Classification Sherloc (09022015). Collection method: clinical testing. Allele origin: germline.
Comment: This sequence change replaces histidine, which is basic and polar, with tyrosine, which is neutral and polar, at codon 3183 of the ADGRV1 protein (p.His3183Tyr). The frequency data for this variant in the population databases is considered unreliable, as metrics indicate poor data quality at this position in the gnomAD database. This variant has not been reported in the literature in individuals affected with ADGRV1-related conditions. ClinVar contains an entry for this variant (Variation ID: 2115771). Invitae Evidence Modeling of protein sequence and biophysical properties (such as structural, functional, and spatial information, amino acid conservation, physicochemical variation, residue mobility, and thermodynamic stability) indicates that this missense variant is not expected to disrupt ADGRV1 protein function with a negative predictive value of 95%. In summary, the available evidence is currently insufficient to determine the role of this variant in disease. Therefore, it has been classified as a Variant of Uncertain Significance.